The following is an entry in ClinVar:

NM_001270508.2(TNFAIP3):c.1897G>A (p.Glu633Lys)

Gene: TNFAIP3 (TNF alpha induced protein 3; plus strand). Cytogenetic location: 6q23.3.
Variant type: single nucleotide variant.
Coding change: c.1897G>A on transcript NM_001270508.2 (MANE Select); coding-DNA position 1897, G replaced by A.
Protein change: p.Glu633Lys; replaces glutamic acid 633 with lysine.
Molecular consequence: missense variant.
Genome position (GRCh38, 1-based): chr6:137,879,342, G>A. VCF-style: chr6-137879342-G-A. GRCh37 (hg19) VCF-style: chr6-138200479-G-A.
Other names: c.1897G>A, p.Glu633Lys (NM_001270507.2, NM_006290.4); short protein forms E633K.
Identifiers: ClinVar variation 1351242 (VCV001351242.8), dbSNP rs1776368987, ClinGen allele CA365794364.

ClinVar aggregate classification (germline): Uncertain significance (1 of 4 stars; one submission).

Submission:

Labcorp Genetics (formerly Invitae), Labcorp
Classification: Uncertain significance. Last evaluated: 2022-08-09. Review status: criteria provided, single submitter. Criteria: Invitae Variant Classification Sherloc (09022015). Collection method: clinical testing. Allele origin: germline.
Comment: This variant has not been reported in the literature in individuals affected with TNFAIP3-related conditions. ClinVar contains an entry for this variant (Variation ID: 1351242). In summary, the available evidence is currently insufficient to determine the role of this variant in disease. Therefore, it has been classified as a Variant of Uncertain Significance. Algorithms developed to predict the effect of missense changes on protein structure and function are either unavailable or do not agree on the potential impact of this missense change (SIFT: "Tolerated"; PolyPhen-2: "Probably Damaging"; Align-GVGD: "Class C0"). This variant is not present in population databases (gnomAD no frequency). This sequence change replaces glutamic acid, which is acidic and polar, with lysine, which is basic and polar, at codon 633 of the TNFAIP3 protein (p.Glu633Lys).